The following is an entry in ClinVar:

NM_003922.4(HERC1):c.12571-13_12571-11del

Gene: HERC1 (HECT and RLD domain containing E3 ubiquitin protein ligase family member 1; minus strand). Cytogenetic location: 15q22.31.
Variant type: Deletion.
Coding change: c.12571-13_12571-11del on transcript NM_003922.4 (MANE Select); 13 bases into the intron before coding-DNA position 12571 through 11 bases into the intron before coding-DNA position 12571, 3 bases deleted (GTT; older notation c.12571-13_12571-11delGTT).
Molecular consequence: intron variant.
Genome position (GRCh38, 1-based): chr15:63,633,981-63,633,983, AAC deleted on the plus strand (GTT on the coding strand, the reverse complement: HERC1 is on the minus strand); deleting any 3 consecutive bases within chr15:63,633,981-63,633,984 gives the same sequence; the c. name uses the placement nearest the transcript's 3' end. VCF-style (leftmost placement, unchanged base first): chr15-63633980-TAAC-T. GRCh37 (hg19) VCF-style: chr15-63926179-TAAC-T.
Other names: c.12571-13_12571-11delGTT (NM_003922.4).
Identifiers: ClinVar variation 1198891 (VCV001198891.11), dbSNP rs373138757, ClinGen allele CA7603954.

ClinVar aggregate classification (germline): Likely benign. Review status: criteria provided, multiple submitters, no conflicts (2 of 4 stars). 3 submissions from 3 submitters: Likely benign (3). Last evaluated 2026-06-05.

Submissions (3):

Women's Health and Genetics/Laboratory Corporation of America, LabCorp
Classification: Likely benign. Last evaluated: 2026-06-05. Review status: criteria provided, single submitter. Criteria: LabCorp Variant Classification Summary - May 2015. Collection method: clinical testing. Allele origin: germline.
Comment: Variant summary: HERC1 c.12571-13_12571-11delGTT alters a non-conserved nucleotide located at a position not widely known to affect splicing. Consensus agreement among computation tools predict no significant impact on normal splicing. However, these predictions have yet to be confirmed by functional studies. The variant allele was found at a frequency of 0.00014 in 248884 control chromosomes. This frequency is not significantly higher than estimated for disease-causing variants in HERC1, allowing no conclusion about variant significance. To our knowledge, no occurrence of c.12571-13_12571-11delGTT in individuals affected with HERC1-related conditions and no experimental evidence demonstrating its impact on protein function have been reported. ClinVar contains an entry for this variant (Variation ID: 1198891). Based on the evidence outlined above, the variant was classified as likely benign.

Labcorp Genetics (formerly Invitae), Labcorp
Classification: Likely benign. Last evaluated: 2025-12-04. Review status: criteria provided, single submitter. Criteria: Invitae Variant Classification Sherloc (09022015). Collection method: clinical testing. Allele origin: germline.

GeneDx
Classification: Likely benign. Last evaluated: 2019-07-29. Review status: criteria provided, single submitter. Criteria: GeneDx Variant Classification Process June 2021. Collection method: clinical testing. Allele origin: germline. Affected: yes.